The following is an entry in ClinVar:

NM_001371533.1(FUT8):c.957G>T (p.Val319=)

Gene: FUT8 (fucosyltransferase 8; plus strand). Cytogenetic location: 14q23.3.
Variant type: single nucleotide variant.
Coding change: c.957G>T on transcript NM_001371533.1 (MANE Select); coding-DNA position 957, G replaced by T.
Protein change: p.Val319=; no amino-acid change (valine 319 retained).
Molecular consequence: synonymous variant.
Genome position (GRCh38, 1-based): chr14:65,721,896, G>T. VCF-style: chr14-65721896-G-T. GRCh37 (hg19) VCF-style: chr14-66188614-G-T.
Other names: c.957G>T, p.Val319= (NM_001371534.1, NM_178155.3, NM_178156.2); c.1059G>T, p.Val353= (NM_001371536.1); c.468G>T, p.Val156= (NM_004480.4).
Identifiers: ClinVar variation 3057339 (VCV003057339.2), dbSNP rs750078645, ClinGen allele CA262924390.

ClinVar aggregate classification (germline): Likely benign (0 of 4 stars; one submission).

Conditions:
FUT8-related disorder. Also called: FUT8-related condition.

gnomAD v4.1: 8 of 1,614,084 alleles (0.0005%); highest among the groups gnomAD compares: East Asian, 0.0089%; no homozygotes.

Submission:

PreventionGenetics, part of Exact Sciences
Classification: Likely benign for FUT8-related condition. Last evaluated: 2020-03-06. Review status: no assertion criteria provided. Collection method: clinical testing. Allele origin: germline.
Comment: This variant is classified as likely benign based on ACMG/AMP sequence variant interpretation guidelines (Richards et al. 2015 PMID: 25741868, with internal and published modifications).